The following is an entry in ClinVar:

NM_001114753.3(ENG):c.884C>T (p.Thr295Ile)

Gene: ENG (endoglin; minus strand). Cytogenetic location: 9q34.11.
Variant type: single nucleotide variant.
Coding change: c.884C>T on transcript NM_001114753.3 (MANE Select); coding-DNA position 884, C replaced by T.
Protein change: p.Thr295Ile; replaces threonine 295 with isoleucine.
Molecular consequence: missense variant.
Genome position (GRCh38, 1-based): chr9:127,824,907, G>A on the plus strand (C>T on the coding strand, the complement: ENG is on the minus strand). VCF-style: chr9-127824907-G-A. GRCh37 (hg19) VCF-style: chr9-130587186-G-A.
Other names: c.884C>T, p.Thr295Ile (NM_000118.4, NM_001406715.1); c.338C>T, p.Thr113Ile (NM_001278138.2); short protein forms T295I, T113I.
Identifiers: ClinVar variation 571294 (VCV000571294.12), dbSNP rs12042, ClinGen allele CA374982537.

ClinVar aggregate classification (germline): Likely pathogenic (1 of 4 stars; one submission).

Conditions:
Hereditary hemorrhagic telangiectasia (HHT). Also called: Osler hemorrhagic telangiectasia syndrome; ORW DISEASE; Osler Weber Rendu syndrome; OSLER-RENDU-WEBER DISEASE. Identifiers: Orphanet 774, MedGen C0039445, MONDO:0019180. Disease mechanism: loss of function.

Submission:

Labcorp Genetics (formerly Invitae), Labcorp
Classification: Likely pathogenic for Hereditary hemorrhagic telangiectasia. Last evaluated: 2023-03-10. Review status: criteria provided, single submitter. Criteria: Invitae Variant Classification Sherloc (09022015). Collection method: clinical testing. Allele origin: germline.
Comment: This sequence change replaces threonine, which is neutral and polar, with isoleucine, which is neutral and non-polar, at codon 295 of the ENG protein (p.Thr295Ile). This variant is not present in population databases (gnomAD no frequency). This missense change has been observed in individual(s) with hereditary hemorrhagic telangiectasia (Invitae). It has also been observed to segregate with disease in related individuals. ClinVar contains an entry for this variant (Variation ID: 571294). Advanced modeling of protein sequence and biophysical properties (such as structural, functional, and spatial information, amino acid conservation, physicochemical variation, residue mobility, and thermodynamic stability) performed at Invitae indicates that this missense variant is expected to disrupt ENG protein function. In summary, the currently available evidence indicates that the variant is pathogenic, but additional data are needed to prove that conclusively. Therefore, this variant has been classified as Likely Pathogenic.